The following is an entry in ClinVar:

NM_001306084.2(CFAP54):c.1828A>G (p.Ile610Val)

Gene: CFAP54 (cilia and flagella associated protein 54; plus strand). Cytogenetic location: 12q23.1.
Variant type: single nucleotide variant.
Coding change: c.1828A>G on transcript NM_001306084.2 (MANE Select); coding-DNA position 1828, A replaced by G.
Protein change: p.Ile610Val; replaces isoleucine 610 with valine.
Molecular consequence: missense variant.
Genome position (GRCh38, 1-based): chr12:96,538,420, A>G. VCF-style: chr12-96538420-A-G. GRCh37 (hg19) VCF-style: chr12-96932198-A-G.
Other names: c.1828A>G, p.Ile610Val (NM_001367885.1); short protein forms I610V.
Identifiers: ClinVar variation 5019709 (VCV005019709.2).
Genomic context (GRCh38, chr12:96,538,420, plus strand): 5'-TTACCTTCTCACTTTTGTTTTTAGGATGTTCAACCTGATAAAGAAATTGTTGTGGACACG[A>G]TAATGTTCCTATGGCAGAAATGCAAATTAGGAATTCAGCGGCTCAATATATCCAGAAATG-3'
Protein context (NP_001293013.1, residues 600-620): QPDKEIVVDT[Ile610Val]MFLWQKCKLG

ClinVar aggregate classification (germline): Uncertain significance (1 of 4 stars; one submission).

Conditions:
Ciliary dyskinesia, primary, 54. Identifiers: MedGen C6012704, MONDO:0100607, OMIM 621125.
Spermatogenic failure 98. Identifiers: MedGen C6012703, MONDO:0700290, OMIM 621124.

gnomAD v4.1: 8 of 1,535,894 alleles (0.00052%); highest among the groups gnomAD compares: East Asian, 0.0073%; no homozygotes.

Submission:

Juno Genomics, Hangzhou Juno Genomics, Inc
Classification: Uncertain significance for Spermatogenic failure 98; Ciliary dyskinesia, primary, 54. Review status: criteria provided, single submitter. Criteria: ACMG Guidelines, 2015. Collection method: clinical testing. Allele origin: germline.
Comment: Absent from controls (or at extremely low frequency if recessive) in Genome Aggregation Database.;Multiple lines of computational evidence support a deleterious effect on the gene or gene product.